The following is an entry in ClinVar:

ClinVar aggregate classification (germline): Uncertain significance (1 of 4 stars; one submission).

Submission:

Labcorp Genetics (formerly Invitae), Labcorp
Classification: Uncertain significance. Last evaluated: 2025-06-11. Review status: criteria provided, single submitter. Criteria: Invitae Variant Classification Sherloc (09022015). Collection method: clinical testing. Allele origin: germline.
Comment: This sequence change replaces glutamic acid, which is acidic and polar, with alanine, which is neutral and non-polar, at codon 3795 of the KMT2C protein (p.Glu3795Ala). This variant is not present in population databases (gnomAD no frequency). This variant has not been reported in the literature in individuals affected with KMT2C-related conditions. Invitae Evidence Modeling of protein sequence and biophysical properties (such as structural, functional, and spatial information, amino acid conservation, physicochemical variation, residue mobility, and thermodynamic stability) indicates that this missense variant is not expected to disrupt KMT2C protein function with a negative predictive value of 80%. In summary, the available evidence is currently insufficient to determine the role of this variant in disease. Therefore, it has been classified as a Variant of Uncertain Significance.

NM_170606.3(KMT2C):c.11384A>C (p.Glu3795Ala)

Gene: KMT2C (lysine methyltransferase 2C; minus strand). Cytogenetic location: 7q36.1.
Variant type: single nucleotide variant.
Coding change: c.11384A>C on transcript NM_170606.3 (MANE Select); coding-DNA position 11384, A replaced by C.
Protein change: p.Glu3795Ala; replaces glutamic acid 3795 with alanine.
Molecular consequence: missense variant.
Genome position (GRCh38, 1-based): chr7:152,162,193, T>G on the plus strand (A>C on the coding strand, the complement: KMT2C is on the minus strand). VCF-style: chr7-152162193-T-G. GRCh37 (hg19) VCF-style: chr7-151859278-T-G.
Other names: short protein forms E3795A.
Identifiers: ClinVar variation 4742012 (VCV004742012.1).
Genomic context (GRCh38, chr7:152,162,193, plus strand): 5'-TTCTGCTTCTCAACTAGTTTATTATCCTTTGTACAGTCATCTTCTGAACAAATACTGCCC[T>G]CAGGTTTTTGATTCAAAAGAGAAGATGACTTTTTATTTTTCAACAAGTGTTTCAGAAGTT-3'
Protein context (NP_733751.2, residues 3785-3805): KSSSLLNQKP[Glu3795Ala]GSICSEDDCT